The following is an entry in ClinVar:

NC_000010.11:g.44713993_44864035dup

Genes: TMEM72-AS1 (TMEM72 antisense RNA 1; minus strand), LOC129390167 (MPRA-validated peak937 silencer; plus strand), LOC129390168 (MPRA-validated peak938 silencer; plus strand). Cytogenetic location: 10q11.21.
Variant type: Duplication.
Identifiers: ClinVar variation 157159 (VCV000157159.3).

ClinVar aggregate classification (germline): not provided (0 of 4 stars; one submission).

Conditions:
Small for gestational age. Also called: Low birth weight. Identifiers: MedGen C0235991, HP:0001518.

Submission:

Institute of Molecular and Cell Biology, University of Tartu
No classification provided. Condition: Small for gestational age. Review status: no classification provided. Collection method: case-control. Allele origin: unknown. Affected: yes. Study: Kasak2014.
Comment: The study aimed to determine the contribution of copy number variants in the genetic etiology of normal and complicated pregnancies. The samples represented (i) maternal blood DNA drawn from healthy pregnant women during 1st or 2nd trimester and (ii) maternal and paternal blood DNA drawn at term pregnancy cases representing normal and complicated gestations (severe preeclampsia, PE; gestational diabetes, GD; small-for-gestational age newborn, SGA; large-for-gestational age newborn, LGA). We performed CNV calling based on genome-wide genotyping dataset (Illumina HumanOmniExpress-24-v1 BeadChip) by applying three algorithms, QuantiSNP, GADA (Genome Alteration Detection Algorithm) and CNstream in parallel. The acquired CNV calls were merged with HD-CNV (Hotspot Detector for Copy Number Variants) program and only the CNVs predicted by at least two programs, were considered in subsequent analysis.

Literature cited by the submitters: PubMed 25666259.